The following is an entry in ClinVar:

NM_014847.4(UBAP2L):c.416G>A (p.Arg139Lys)

Gene: UBAP2L (ubiquitin associated protein 2 like; plus strand). Cytogenetic location: 1q21.3.
Variant type: single nucleotide variant.
Coding change: c.416G>A on transcript NM_014847.4 (MANE Select); coding-DNA position 416, G replaced by A.
Protein change: p.Arg139Lys; replaces arginine 139 with lysine.
Molecular consequence: missense variant.
Genome position (GRCh38, 1-based): chr1:154,234,727, G>A. VCF-style: chr1-154234727-G-A. GRCh37 (hg19) VCF-style: chr1-154207203-G-A.
Other names: c.416G>A, p.Arg139Lys (NM_001127320.3, NM_001287815.1, NM_001287816.1 and 20 more transcripts); short protein forms R139K.
Identifiers: ClinVar variation 4690166 (VCV004690166.1).

ClinVar aggregate classification (germline): Uncertain significance (1 of 4 stars; one submission).

Submission:

GeneDx
Classification: Uncertain significance. Last evaluated: 2025-08-01. Review status: criteria provided, single submitter. Criteria: GeneDx Variant Classification Process June 2021. Collection method: clinical testing. Allele origin: germline. Affected: yes.
Comment: Not observed at significant frequency in large population cohorts (gnomAD); In silico analysis supports that this missense variant has a deleterious effect on protein structure/function; Has not been previously published as pathogenic or benign to our knowledge